The following is an entry in ClinVar:

ClinVar aggregate classification (germline): Benign. Review status: reviewed by expert panel (3 of 4 stars). 2 submissions from 2 submitters: Benign (1). 1 of the submissions does not count toward it. Last evaluated 2015-01-12.

Conditions:
Breast-ovarian cancer, familial, susceptibility to, 2 (BROVCA2). Also called: BRCA2 Hereditary Breast and Ovarian Cancer. Identifiers: Orphanet 145, MedGen C2675520, MONDO:0012933, OMIM 612555. Disease mechanism: loss of function.

Allele frequency attached by ClinVar (database versions not stated): 1000 Genomes Project 30x 0.50843; TOPMed 0.51043; 1000 Genomes Project 0.51158; gnomAD 0.51758 and 0.51759.
gnomAD v4.1: 78,562 of 152,018 alleles (52%); highest among the groups gnomAD compares: East Asian, 57%; 20,387 homozygotes.

Submissions (2):

Evidence-based Network for the Interpretation of Germline Mutant Alleles (ENIGMA)
Classification: Benign for Breast-ovarian cancer, familial 2. Last evaluated: 2015-01-12. Review status: reviewed by expert panel. Criteria: ENIGMA BRCA1/2 Classification Criteria (2015). Collection method: curation. Allele origin: germline.
Comment: Class 1 not pathogenic based on frequency >1% in an outbred sampleset. Frequency 0.549 (Asian), 0.502 (African), 0.5383 (European), derived from 1000 genomes (2012-04-30).

GeneDx
Classification: Benign. Last evaluated: 2018-06-22. Review status: criteria provided, single submitter. Criteria: GeneDx Variant Classification Process June 2021. Collection method: clinical testing. Allele origin: germline. Affected: yes. Not counted in ClinVar's aggregate classification.

NM_000059.4(BRCA2):c.9257-219A>G

Gene: BRCA2 (BRCA2 DNA repair associated; plus strand). Cytogenetic location: 13q13.1.
Variant type: single nucleotide variant.
Coding change: c.9257-219A>G on transcript NM_000059.4 (MANE Select); 219 bases into the intron before coding-DNA position 9257, A replaced by G.
Molecular consequence: intron variant.
Genome position (GRCh38, 1-based): chr13:32,394,470, A>G. VCF-style: chr13-32394470-A-G. GRCh37 (hg19) VCF-style: chr13-32968607-A-G.
Other names: IVS 24-219A>G.
Identifiers: ClinVar variation 209962 (VCV000209962.3), dbSNP rs7330025, ClinGen allele CA276929.